The following is an entry in ClinVar:

ClinVar aggregate classification (germline): Pathogenic. Review status: criteria provided, multiple submitters, no conflicts (2 of 4 stars). 3 submissions from 3 submitters: Pathogenic (3). Last evaluated 2025-11-24.

Conditions:
Hereditary cancer-predisposing syndrome. Also called: Neoplastic Syndromes, Hereditary; Tumor predisposition; Hereditary Cancer Syndrome; Hereditary neoplastic syndrome. Identifiers: Orphanet 140162, MedGen C0027672, MeSH D009386, MONDO:0015356.
Familial cancer of breast. Also called: BREAST CANCER, FAMILIAL; Hereditary breast cancer; hereditary breast carcinoma. Identifiers: Orphanet 227535, MedGen C0346153, MONDO:0016419, OMIM 114480. Disease mechanism: loss of function.

Submissions (3):

Labcorp Genetics (formerly Invitae), Labcorp
Classification: Pathogenic for Familial cancer of breast. Last evaluated: 2025-11-24. Review status: criteria provided, single submitter. Criteria: Invitae Variant Classification Sherloc (09022015). Collection method: clinical testing. Allele origin: germline.
Comment: This sequence change creates a premature translational stop signal (p.Ser548*) in the PALB2 gene. It is expected to result in an absent or disrupted protein product. Loss-of-function variants in PALB2 are known to be pathogenic (PMID: 17200668, 17200671, 17200672, 24136930, 25099575). This variant is not present in population databases (gnomAD no frequency). This variant has not been reported in the literature in individuals affected with PALB2-related conditions. ClinVar contains an entry for this variant (Variation ID: 819733). For these reasons, this variant has been classified as Pathogenic.

Ambry Genetics
Classification: Pathogenic for Hereditary cancer-predisposing syndrome. Last evaluated: 2024-05-29. Review status: criteria provided, single submitter. Criteria: Ambry Variant Classification Scheme 2023. Collection method: clinical testing. Allele origin: germline.
Comment: The p.S548* pathogenic mutation (also known as c.1643C>G), located in coding exon 4 of the PALB2 gene, results from a C to G substitution at nucleotide position 1643. This changes the amino acid from a serine to a stop codon within coding exon 4. This alteration is expected to result in loss of function by premature protein truncation or nonsense-mediated mRNA decay. As such, this alteration is interpreted as a disease-causing mutation.

Myriad Genetics, Inc.
Classification: Pathogenic for Familial cancer of breast. Last evaluated: 2023-09-11. Review status: criteria provided, single submitter. Criteria: Myriad Autosomal Dominant, Autosomal Recessive and X-Linked Classification Criteria (2023). Collection method: clinical testing. Allele origin: unknown.
Comment: This variant is considered pathogenic. This variant creates a termination codon and is predicted to result in premature protein truncation.

Literature cited by the submitters: PubMed 17200668 (cited by Labcorp Genetics (formerly Invitae), Labcorp); PubMed 17200671 (cited by Labcorp Genetics (formerly Invitae), Labcorp); PubMed 17200672 (cited by Labcorp Genetics (formerly Invitae), Labcorp); PubMed 24136930 (cited by Labcorp Genetics (formerly Invitae), Labcorp); PubMed 25099575 (cited by Labcorp Genetics (formerly Invitae), Labcorp).

NM_024675.4(PALB2):c.1643C>G (p.Ser548Ter)

Gene: PALB2 (partner and localizer of BRCA2; minus strand). Cytogenetic location: 16p12.2.
Variant type: single nucleotide variant.
Coding change: c.1643C>G on transcript NM_024675.4 (MANE Select); coding-DNA position 1643, C replaced by G.
Protein change: p.Ser548Ter; replaces serine 548 with a stop codon.
Molecular consequence: nonsense.
Genome position (GRCh38, 1-based): chr16:23,634,903, G>C on the plus strand (C>G on the coding strand, the complement: PALB2 is on the minus strand). VCF-style: chr16-23634903-G-C. GRCh37 (hg19) VCF-style: chr16-23646224-G-C.
Other names: short protein forms S548*.
Identifiers: ClinVar variation 819733 (VCV000819733.15), dbSNP rs1241049372, ClinGen allele CA395130162.